The following is an entry in ClinVar:

NM_000709.4(BCKDHA):c.288+9C>T

Gene: BCKDHA (branched chain keto acid dehydrogenase E1 subunit alpha; plus strand). Cytogenetic location: 19q13.2.
Variant type: single nucleotide variant.
Coding change: c.288+9C>T on transcript NM_000709.4 (MANE Select); 9 bases into the intron after coding-DNA position 288, C replaced by T.
Molecular consequence: intron variant.
Genome position (GRCh38, 1-based): chr19:41,410,825, C>T. VCF-style: chr19-41410825-C-T. GRCh37 (hg19) VCF-style: chr19-41916730-C-T.
Other names: c.288+9C>T (NM_001164783.2).
Identifiers: ClinVar variation 93352 (VCV000093352.33), dbSNP rs398123497, ClinGen allele CA221193.

ClinVar aggregate classification (germline): Pathogenic/Likely pathogenic. Review status: criteria provided, multiple submitters, no conflicts (2 of 4 stars). 7 submissions from 7 submitters: Pathogenic (3); Likely pathogenic (4). Last evaluated 2025-10-24.

Conditions:
Maple syrup urine disease type 1A (MSUD1A). Also called: MSUD type 1A. Identifiers: MedGen C1855369, MONDO:0023691, OMIM 248600.
Maple syrup urine disease (MSUD). Identifiers: Orphanet 511, MedGen C0024776, MeSH D008375, MONDO:0009563. Disease mechanism: loss of function.

Allele frequency attached by ClinVar (database versions not stated): gnomAD 0.00003; gnomAD exomes 0.00003 and 0.00005; TOPMed 0.00004; ExAC 0.00006.
gnomAD v4.1: 52 of 1,613,942 alleles (0.0032%); highest among the groups gnomAD compares: Admixed American, 0.0083%; no homozygotes.

Submissions (7):

Labcorp Genetics (formerly Invitae), Labcorp
Classification: Pathogenic for Maple syrup urine disease. Last evaluated: 2025-10-24. Review status: criteria provided, single submitter. Criteria: Invitae Variant Classification Sherloc (09022015). Collection method: clinical testing. Allele origin: germline.
Comment: This sequence change falls in intron 2 of the BCKDHA gene. It does not directly change the encoded amino acid sequence of the BCKDHA protein. RNA analysis indicates that this variant induces altered splicing and may result in an absent or altered protein product. This variant is present in population databases (rs398123497, gnomAD 0.02%). This variant has been observed in individual(s) with maple syrup urine disease (PMID: 20431954). In at least one individual the data is consistent with being in trans (on the opposite chromosome) from a pathogenic variant. ClinVar contains an entry for this variant (Variation ID: 93352). Studies have shown that this variant results in an insertion of 7bp after exon 2, and produces a non-functional protein and/or introduces a premature termination codon (PMID: 20431954). For these reasons, this variant has been classified as Pathogenic.

Natera, Inc.
Classification: Likely pathogenic for Maple syrup urine disease type 1A. Last evaluated: 2025-06-22. Review status: criteria provided, single submitter. Criteria: Natera Variant Classification Schema (03/2026). Collection method: clinical testing. Allele origin: germline.
Comment: The c.288+9C>T variant in BCKDHA is an intronic variant located outside the canonical splice sites. This variant is rare in the general population with a frequency below the threshold expected for the associated phenotype(s). This variant has been observed in one or more individuals affected with the associated recessive disease, as either homozygous or compound heterozygous with a second variant (PMID: 31980395, 20431954). Functional studies show that this variant may disrupt protein function (PMID: 20431954). Given the available evidence, this variant is classified as Likely Pathogenic.

Women's Health and Genetics/Laboratory Corporation of America, LabCorp
Classification: Likely pathogenic for Maple syrup urine disease. Last evaluated: 2024-10-17. Review status: criteria provided, single submitter. Criteria: LabCorp Variant Classification Summary - May 2015. Collection method: clinical testing. Allele origin: germline.
Comment: Variant summary: BCKDHA c.288+9C>T alters a nucleotide located at a position not widely known to affect splicing. Some computational tools predict a significant impact on normal splicing: Two predict the variant creates a canonical 5' donor site. At least one publication reports experimental evidence that this variant affects mRNA splicing, resulting in an alternate transcript with a 7 nt insertion (Fernandez-Guerra_2010). The variant allele was found at a frequency of 5.2e-05 in 251128 control chromosomes. c.288+9C>T has been reported in the literature in individuals affected with Maple Syrup Urine Disease (Fernandez-Guerra_2010, Strauss_2020), and these individuals are reported as compound heterozygous, carrying other pathogenic/likely pathogenic variants. These data indicate that the variant may be associated with disease. The following publications have been ascertained in the context of this evaluation (PMID: 20431954, 31980395). ClinVar contains an entry for this variant (Variation ID: 93352). Based on the evidence outlined above, the variant was classified as likely pathogenic.

Revvity Omics, Revvity
Classification: Likely pathogenic for Maple syrup urine disease type 1A. Last evaluated: 2021-12-28. Review status: criteria provided, single submitter. Criteria: ACMG Guidelines, 2015. Collection method: clinical testing. Allele origin: germline.

Genome-Nilou Lab
Classification: Likely pathogenic for Maple syrup urine disease type 1A. Last evaluated: 2021-11-07. Review status: criteria provided, single submitter. Criteria: ACMG Guidelines, 2015. Collection method: clinical testing. Allele origin: germline. Affected: no.

Eurofins Ntd Llc (ga)
Classification: Pathogenic. Last evaluated: 2013-09-03. Review status: criteria provided, single submitter. Criteria: EGL Classification Definitions. Collection method: clinical testing. Allele origin: germline. Observed: 3 variant alleles, 3 heterozygotes.

Juno Genomics, Hangzhou Juno Genomics, Inc
Classification: Pathogenic for Maple syrup urine disease type 1A. Review status: criteria provided, single submitter. Criteria: ACMG Guidelines, 2015. Collection method: clinical testing. Allele origin: germline. Affected: yes.
Comment: Absent from controls (or at extremely low frequency if recessive) in Genome Aggregation Database, Exome Sequencing Project, 1000 Genomes Project, or Exome Aggregation Consortium.;Well-established in vitro or in vivo functional studies supportive of a damaging effect on the gene or gene product.;For recessive disorders, detected in trans with a pathogenic variant.;Patient's phenotype or family history is highly specific for a disease with a single genetic etiology.

Literature cited by the submitters: PubMed 20431954 (cited by 3 submitters); PubMed 31980395 (cited by Natera, Inc. and Women's Health and Genetics/Laboratory Corporation of America, LabCorp).